The following is an entry in ClinVar:

ClinVar aggregate classification (germline): Pathogenic (1 of 4 stars; one submission).

Conditions:
Nemaline myopathy 2 (NEM2). Also called: Nemaline myopathy 2, autosomal recessive. Identifiers: MedGen C1850569, MONDO:0009725, OMIM 256030.

Submission:

Labcorp Genetics (formerly Invitae), Labcorp
Classification: Pathogenic for Nemaline myopathy 2. Last evaluated: 2021-07-06. Review status: criteria provided, single submitter. Criteria: Invitae Variant Classification Sherloc (09022015). Collection method: clinical testing. Allele origin: germline.
Comment: This sequence change creates a premature translational stop signal (p.Trp4368*) in the NEB gene. It is expected to result in an absent or disrupted protein product. Loss-of-function variants in NEB are known to be pathogenic (PMID: 25205138). The frequency data for this variant in the population databases (ExAC) is considered unreliable due to the presence of homologous sequence, such as pseudogenes or paralogs, in the genome. This variant has not been reported in the literature in individuals affected with NEB-related conditions. For these reasons, this variant has been classified as Pathogenic. This variant occurs in a region of NEB (Exons 82-105) consisting of three highly homologous 8-exon repeat units (exons 82-89, exons 90-97, exons 98-105). Sequence variants in this region can be detected, but this assay cannot determine which of the three repeat units is affected, and zygosity is often ambiguous. All variants in this region are reported relative to the exon 82-89 repeat.

Literature cited by the submitters: PubMed 25205138.

NM_001164508.2(NEB):c.13103G>A (p.Trp4368Ter)

Gene: NEB (nebulin; minus strand). Cytogenetic location: 2q23.3.
Variant type: single nucleotide variant.
Coding change: c.13103G>A on transcript NM_001164508.2 (MANE Select); coding-DNA position 13103, G replaced by A.
Protein change: p.Trp4368Ter; replaces tryptophan 4368 with a stop codon.
Molecular consequence: nonsense. On other transcripts: intron variant (1).
Genome position (GRCh38, 1-based): chr2:151,603,729, C>T on the plus strand (G>A on the coding strand, the complement: NEB is on the minus strand). VCF-style: chr2-151603729-C-T. GRCh37 (hg19) VCF-style: chr2-152460243-C-T.
Other names: c.13103G>A, p.Trp4368Ter (NM_001164507.2, NM_001271208.2); c.11601+6080G>A (NM_004543.5); short protein forms W4368*.
Identifiers: ClinVar variation 1389849 (VCV001389849.6), dbSNP rs2153931339, ClinGen allele CA348772507.